The following is an entry in ClinVar:

ClinVar aggregate classification (germline): Uncertain significance (1 of 4 stars; one submission).

Conditions:
Charcot-Marie-Tooth disease axonal type 2O. Also called: CHARCOT-MARIE-TOOTH NEUROPATHY, AXONAL, TYPE 2O; CHARCOT-MARIE-TOOTH DISEASE, AXONAL, AUTOSOMAL DOMINANT, TYPE 2O; Charcot-Marie-Tooth Neuropathy Type 2O; Charcot-Marie-Tooth disease, axonal, type 20. Identifiers: Orphanet 284232, MedGen C3280220, MONDO:0013644, OMIM 614228.

Submission:

Labcorp Genetics (formerly Invitae), Labcorp
Classification: Uncertain significance for Charcot-Marie-Tooth disease axonal type 2O. Last evaluated: 2025-09-14. Review status: criteria provided, single submitter. Criteria: Invitae Variant Classification Sherloc (09022015). Collection method: clinical testing. Allele origin: germline.
Comment: This sequence change replaces proline, which is neutral and non-polar, with leucine, which is neutral and non-polar, at codon 1904 of the DYNC1H1 protein (p.Pro1904Leu). This variant is not present in population databases (gnomAD no frequency). This variant has not been reported in the literature in individuals affected with DYNC1H1-related conditions. Invitae Evidence Modeling of protein sequence and biophysical properties (such as structural, functional, and spatial information, amino acid conservation, physicochemical variation, residue mobility, and thermodynamic stability) has been performed for this missense variant. However, the output from this modeling did not meet the statistical confidence thresholds required to predict the impact of this variant on DYNC1H1 protein function. In summary, the available evidence is currently insufficient to determine the role of this variant in disease. Therefore, it has been classified as a Variant of Uncertain Significance.

NM_001376.5(DYNC1H1):c.5711C>T (p.Pro1904Leu)

Gene: DYNC1H1 (dynein cytoplasmic 1 heavy chain 1; plus strand). Cytogenetic location: 14q32.31.
Variant type: single nucleotide variant.
Coding change: c.5711C>T on transcript NM_001376.5 (MANE Select); coding-DNA position 5711, C replaced by T.
Protein change: p.Pro1904Leu; replaces proline 1904 with leucine.
Molecular consequence: missense variant.
Genome position (GRCh38, 1-based): chr14:102,006,165, C>T. VCF-style: chr14-102006165-C-T. GRCh37 (hg19) VCF-style: chr14-102472502-C-T.
Other names: short protein forms P1904L.
Identifiers: ClinVar variation 4802052 (VCV004802052.1).
Genomic context (GRCh38, chr14:102,006,165, plus strand): 5'-TCACTGACCGCTGCTATTTGACAATGACACAAGCCTTGGAGGCCAGGCTGGGGGGTTCCC[C>T]ATTTGGTAAGTTCTTCCACAGATCTGGACAGATGGAATCATATATTAAAATGTTTAAAGA-3'
Protein context (NP_001367.2, residues 1894-1914): QALEARLGGS[Pro1904Leu]FGPAGTGKTE